The following is an entry in ClinVar:

NM_000124.4(ERCC6):c.3197C>T (p.Ala1066Val)

Gene: ERCC6 (ERCC excision repair 6, chromatin remodeling factor; minus strand). Cytogenetic location: 10q11.23.
Variant type: single nucleotide variant.
Coding change: c.3197C>T on transcript NM_000124.4 (MANE Select); coding-DNA position 3197, C replaced by T.
Protein change: p.Ala1066Val; replaces alanine 1066 with valine.
Molecular consequence: missense variant.
Genome position (GRCh38, 1-based): chr10:49,470,763, G>A on the plus strand (C>T on the coding strand, the complement: ERCC6 is on the minus strand). VCF-style: chr10-49470763-G-A. GRCh37 (hg19) VCF-style: chr10-50678809-G-A.
Other names: c.3197C>T, p.Ala1066Val (NM_001346440.2); short protein forms A1066V.
Identifiers: ClinVar variation 2175502 (VCV002175502.4), dbSNP rs1388912671, ClinGen allele CA376716439.

ClinVar aggregate classification (germline): Uncertain significance (1 of 4 stars; one submission).

Allele frequency attached by ClinVar (database versions not stated): gnomAD 0.00001; TOPMed 0.00001; gnomAD exomes 0.00002.
gnomAD v4.1: 28 of 1,613,972 alleles (0.0017%); highest among the groups gnomAD compares: Non-Finnish European, 0.0022%; no homozygotes.

Submission:

Labcorp Genetics (formerly Invitae), Labcorp
Classification: Uncertain significance. Last evaluated: 2024-01-18. Review status: criteria provided, single submitter. Criteria: Invitae Variant Classification Sherloc (09022015). Collection method: clinical testing. Allele origin: germline.
Comment: This sequence change replaces alanine, which is neutral and non-polar, with valine, which is neutral and non-polar, at codon 1066 of the ERCC6 protein (p.Ala1066Val). This variant is present in population databases (no rsID available, gnomAD 0.004%). This variant has not been reported in the literature in individuals affected with ERCC6-related conditions. ClinVar contains an entry for this variant (Variation ID: 2175502). Advanced modeling of protein sequence and biophysical properties (such as structural, functional, and spatial information, amino acid conservation, physicochemical variation, residue mobility, and thermodynamic stability) performed at Invitae indicates that this missense variant is not expected to disrupt ERCC6 protein function with a negative predictive value of 95%. In summary, the available evidence is currently insufficient to determine the role of this variant in disease. Therefore, it has been classified as a Variant of Uncertain Significance.